The following is an entry in ClinVar:

ClinVar aggregate classification (germline): Conflicting classifications of pathogenicity. Review status: criteria provided, conflicting classifications (1 of 4 stars). 4 submissions from 4 submitters: Uncertain significance (1); Likely benign (2). 1 of the submissions does not count toward it. Last evaluated 2025-10-27.

Conditions:
Cardiovascular phenotype. Identifiers: MedGen CN230736.
TTN-related disorder. Also called: TTN-related disorders; TTN-related condition; TTN-related disease.
Dilated cardiomyopathy 1G (CMD1G). Identifiers: Orphanet 154, MedGen C1858763, MONDO:0011400, OMIM 604145.
Autosomal recessive limb-girdle muscular dystrophy type 2J (LGMDR10). Also called: MUSCULAR DYSTROPHY, LIMB-GIRDLE, AUTOSOMAL RECESSIVE 10; Limb-girdle muscular dystrophy, type 2J. Identifiers: Orphanet 140922, MedGen C1837342, MONDO:0012127, OMIM 608807.

Allele frequency attached by ClinVar (database versions not stated): gnomAD exomes 0.00002; ExAC 0.00003; gnomAD 0.00011 and 0.00012; TOPMed 0.00011; ESP Exome Variant Server 0.00016.
gnomAD v4.1: 29 of 1,613,568 alleles (0.0018%); highest among the groups gnomAD compares: African/African-American, 0.035%; no homozygotes.

Submissions (4):

Labcorp Genetics (formerly Invitae), Labcorp
Classification: Likely benign for Dilated cardiomyopathy 1G; Autosomal recessive limb-girdle muscular dystrophy type 2J. Last evaluated: 2025-10-27. Review status: criteria provided, single submitter. Criteria: Invitae Variant Classification Sherloc (09022015). Collection method: clinical testing. Allele origin: germline.

Ambry Genetics
Classification: Likely benign for Cardiovascular phenotype. Last evaluated: 2019-04-27. Review status: criteria provided, single submitter. Criteria: Ambry Variant Classification Scheme 2023. Collection method: clinical testing. Allele origin: germline.

Eurofins Ntd Llc (ga)
Classification: Uncertain significance. Last evaluated: 2017-10-09. Review status: criteria provided, single submitter. Criteria: EGL Classification Definitions 2015. Collection method: clinical testing. Allele origin: germline. Observed: 1 variant allele, 1 heterozygote.

PreventionGenetics, part of Exact Sciences
Classification: Likely benign for TTN-related condition. Last evaluated: 2021-03-04. Review status: no assertion criteria provided. Collection method: clinical testing. Allele origin: germline. Not counted in ClinVar's aggregate classification.
Comment: This variant is classified as likely benign based on ACMG/AMP sequence variant interpretation guidelines (Richards et al. 2015 PMID: 25741868, with internal and published modifications).

NM_001267550.2(TTN):c.85275T>C (p.Thr28425=)

Genes: TTN-AS1 (TTN antisense RNA 1; plus strand), TTN (titin; minus strand). Cytogenetic location: 2q31.2.
Variant type: single nucleotide variant.
Coding change: c.85275T>C on transcript NM_001267550.2 (MANE Select); coding-DNA position 85275, T replaced by C.
Protein change: p.Thr28425=; no amino-acid change (threonine 28425 retained).
Molecular consequence: synonymous variant.
Genome position (GRCh38, 1-based): chr2:178,560,857, A>G on the plus strand (T>C on the coding strand, the complement: TTN is on the minus strand). VCF-style: chr2-178560857-A-G. GRCh37 (hg19) VCF-style: chr2-179425584-A-G.
Other names: c.80352T>C, p.Thr26784= (NM_001256850.1); c.58080T>C, p.Thr19360= (NM_003319.4); c.77571T>C, p.Thr25857= (NM_133378.4); c.58455T>C, p.Thr19485= (NM_133432.3); c.58656T>C, p.Thr19552= (NM_133437.4).
Identifiers: ClinVar variation 594419 (VCV000594419.19), dbSNP rs376484117, ClinGen allele CA1988671.